The following is an entry in ClinVar:

NM_000535.7(PMS2):c.404T>C (p.Leu135Pro)

Gene: PMS2 (PMS1 homolog 2, mismatch repair system component; minus strand). Cytogenetic location: 7p22.1.
Variant type: single nucleotide variant.
Coding change: c.404T>C on transcript NM_000535.7 (MANE Select); coding-DNA position 404, T replaced by C.
Protein change: p.Leu135Pro; replaces leucine 135 with proline.
Molecular consequence: missense variant. On other transcripts: 5 prime UTR variant (29), non-coding transcript variant (1), intron variant (1).
Genome position (GRCh38, 1-based): chr7:6,002,586, A>G on the plus strand (T>C on the coding strand, the complement: PMS2 is on the minus strand). VCF-style: chr7-6002586-A-G. GRCh37 (hg19) VCF-style: chr7-6042217-A-G.
Other names: c.-2T>C (NM_001406909.1, NM_001406910.1, NM_001406911.1 and 25 more transcripts); c.404T>C, p.Leu135Pro (NM_001406912.1, NM_001322006.2, NM_001322014.2 and 8 more transcripts); c.250+1386T>C (NM_001406885.1); c.86T>C, p.Leu29Pro (NM_001322007.2, NM_001322008.2, NM_001406876.1 and 4 more transcripts); c.-481T>C (NM_001322011.2, NM_001322012.2); c.95T>C, p.Leu32Pro (NM_001322015.2, NM_001406875.1, NM_001406877.1 and 6 more transcripts); c.590T>C, p.Leu197Pro (NM_001406866.1); c.428T>C, p.Leu143Pro (NM_001406868.1); and 1 more; short protein forms L135P, L29P, L32P, L143P, L197P.
Identifiers: ClinVar variation 1055471 (VCV001055471.13), dbSNP rs2128818545, ClinGen allele CA366744422.

ClinVar aggregate classification (germline): Conflicting classifications of pathogenicity. Review status: criteria provided, conflicting classifications (1 of 4 stars). 4 submissions from 4 submitters: Likely pathogenic (1); Uncertain significance (3). Last evaluated 2025-12-19.

Conditions:
Hereditary cancer-predisposing syndrome. Also called: Hereditary Cancer Syndrome; Neoplastic Syndromes, Hereditary; Tumor predisposition; Hereditary neoplastic syndrome. Identifiers: Orphanet 140162, MedGen C0027672, MeSH D009386, MONDO:0015356.
Hereditary nonpolyposis colorectal neoplasms. Identifiers: MedGen C0009405, MeSH D003123.

Allele frequency attached by ClinVar (database versions not stated): gnomAD exomes below 0.00001.
gnomAD v4.1: 2 of 1,611,954 alleles (0.00012%); highest among the groups gnomAD compares: South Asian, 0.0022%; no homozygotes.

Submissions (4):

Ambry Genetics
Classification: Likely pathogenic for Hereditary cancer-predisposing syndrome. Last evaluated: 2025-12-19. Review status: criteria provided, single submitter. Criteria: Ambry Variant Classification Scheme 2023. Collection method: clinical testing. Allele origin: germline.
Comment: The p.L135P variant (also known as c.404T>C), located in coding exon 5 of the PMS2 gene, results from a T to C substitution at nucleotide position 404. The leucine at codon 135 is replaced by proline, an amino acid with similar properties. Based on internal structural analysis using published crystal structures, L135P is highly destabilizing to the local protein structure (Ambry internal data). This variant has been identified in a proband whose Lynch syndrome-associated tumor demonstrated loss of PMS2 expression by immunohistochemistry (Li S et al. J. Med. Genet. 2020 Jan;57:62-69; Ambry internal data). This amino acid position is highly conserved in available vertebrate species. In addition, this alteration is predicted to be deleterious by in silico analysis. Based on the majority of available evidence to date, this variant is likely to be pathogenic.

Labcorp Genetics (formerly Invitae), Labcorp
Classification: Uncertain significance for Hereditary nonpolyposis colorectal neoplasms. Last evaluated: 2025-03-11. Review status: criteria provided, single submitter. Criteria: Invitae Variant Classification Sherloc (09022015). Collection method: clinical testing. Allele origin: germline.
Comment: This sequence change replaces leucine, which is neutral and non-polar, with proline, which is neutral and non-polar, at codon 135 of the PMS2 protein (p.Leu135Pro). This variant is not present in population databases (gnomAD no frequency). This missense change has been observed in individual(s) with colorectal cancer (PMID: 19072991, 38344144; internal data). ClinVar contains an entry for this variant (Variation ID: 1055471). Invitae Evidence Modeling incorporating data from in vitro experimental studies (internal data) indicates that this missense variant is expected to disrupt PMS2 function with a positive predictive value of 95%. In summary, the available evidence is currently insufficient to determine the role of this variant in disease. Therefore, it has been classified as a Variant of Uncertain Significance.

Quest Diagnostics Nichols Institute San Juan Capistrano
Classification: Uncertain significance. Last evaluated: 2024-04-15. Review status: criteria provided, single submitter. Criteria: Quest Diagnostics criteria. Collection method: clinical testing. Allele origin: unknown.
Comment: The PMS2 c.404T>C (p.Leu135Pro) variant has been reported in the published literature in an individual affected with Lynch syndrome (PMID: 19072991 (2009)). This variant has not been reported in large, multi-ethnic general populations (Genome Aggregation Database). Analysis of this variant using bioinformatics tools for the prediction of the effect of amino acid changes on protein structure and function yielded predictions that this variant is damaging. Based on the available information, we are unable to determine the clinical significance of this variant.

GeneDx
Classification: Uncertain significance. Last evaluated: 2019-11-12. Review status: criteria provided, single submitter. Criteria: GeneDx Variant Classification Process June 2021. Collection method: clinical testing. Allele origin: germline. Affected: yes.
Comment: Not observed in large population cohorts (Lek 2016); In silico analysis, which includes protein predictors and evolutionary conservation, supports a deleterious effect; Has not been previously published as pathogenic or benign to our knowledge

Literature cited by the submitters: PubMed 19072991 (cited by 3 submitters); PubMed 38344144 (cited by Labcorp Genetics (formerly Invitae), Labcorp and Quest Diagnostics Nichols Institute San Juan Capistrano).